The following is an entry in ClinVar:

ClinVar aggregate classification (germline): Pathogenic/Likely pathogenic. Review status: criteria provided, multiple submitters, no conflicts (2 of 4 stars). 6 submissions from 6 submitters: Pathogenic (3); Likely pathogenic (3). Last evaluated 2025-11-12.
ClinVar aggregate classification (somatic clinical impact): Tier I - Strong (1 of 4 stars; one submission).

Conditions:
Hereditary cancer-predisposing syndrome. Also called: Neoplastic Syndromes, Hereditary; Hereditary Cancer Syndrome; Hereditary neoplastic syndrome; Tumor predisposition. Identifiers: Orphanet 140162, MedGen C0027672, MeSH D009386, MONDO:0015356.
Cardiovascular phenotype. Identifiers: MedGen CN230736.
Neurofibromatosis, type 1 (NF1). Also called: Peripheral type neurofibromatosis; Neurofibromatosis, type I; VON RECKLINGHAUSEN DISEASE; NEUROFIBROMATOSIS, TYPE I, SOMATIC. Identifiers: Orphanet 636, MedGen C0027831, MONDO:0018975, OMIM 162200. Disease mechanism: loss of function.
Embryonal rhabdomyosarcoma (ERMS). Also called: Botryoid rhabdomyosarcoma (type of ERMS); Spindle cell rhabdomyosarcomas (type of ERMS). Identifiers: Orphanet 99757, MedGen C0206656, MONDO:0009993, HP:0006743.

Submissions (7):

GeneDx
Classification: Pathogenic. Last evaluated: 2025-11-12. Review status: criteria provided, single submitter. Criteria: GeneDx Variant Classification Process June 2021. Collection method: clinical testing. Allele origin: germline.
Comment: RNA studies demonstrate a damaging effect: partial exon skipping and an in-frame deletion of 34 amino acids (PMID: 27322474); Not observed at significant frequency in large population cohorts (gnomAD); In silico analysis supports a deleterious effect on splicing; This variant is associated with the following publications: (PMID: 31868168, 27322474)

Ambry Genetics
Classification: Pathogenic for Cardiovascular phenotype; Hereditary cancer-predisposing syndrome. Last evaluated: 2025-07-23. Review status: criteria provided, single submitter. Criteria: Ambry Variant Classification Scheme 2023. Collection method: clinical testing. Allele origin: germline.
Comment: The c.204+3_204+6delGAGT intronic pathogenic mutation, located in intron 2 of the NF1 gene, results from a deletion of 4 nucleotides within intron 2 of the NF1 gene. This alteration has been reported in an individual meeting NIH diagnostic criteria for Neurofibromatosis type 1 (NF1)(Evans DG et al. EBioMedicine, 2016 May;7:212-20). In silico splice site analysis predicts that this alteration will result in the creation or strengthening of a novel splice donor site. RNA studies have demonstrated that this alteration results in abnormal splicing that result in partial deletion of a coding exon 2 (Evans DG et al. EBioMedicine, 2016 May;7:212-20; Ambry internal data). This variant is considered to be rare based on population cohorts in the Genome Aggregation Database (gnomAD). Based on the supporting evidence, this alteration is interpreted as a disease-causing mutation.

Labcorp Genetics (formerly Invitae), Labcorp
Classification: Pathogenic for Neurofibromatosis, type 1. Last evaluated: 2025-05-09. Review status: criteria provided, single submitter. Criteria: Invitae Variant Classification Sherloc (09022015). Collection method: clinical testing. Allele origin: germline.
Comment: This sequence change falls in intron 2 of the NF1 gene. It does not directly change the encoded amino acid sequence of the NF1 protein. RNA analysis indicates that this variant induces altered splicing and likely results in the loss of 35 amino acid residue(s), but is expected to preserve the integrity of the reading-frame. This variant is not present in population databases (gnomAD no frequency). This variant has been observed in individual(s) with neurofibromatosis, type 1 (PMID: 27322474, 31868168). In at least one individual the variant was observed to be de novo. Invitae Evidence Modeling of clinical and family history, age, sex, and reported ancestry of multiple individuals with this NF1 variant has been performed. This variant is expected to be pathogenic with a positive predictive value of at least 99%. This is a validated machine learning model that incorporates the clinical features of 1,785,918 individuals referred to our laboratory for NF1 testing. ClinVar contains an entry for this variant (Variation ID: 578995). Variants that disrupt the consensus splice site are a relatively common cause of aberrant splicing (PMID: 17576681, 9536098). Studies have shown that this variant results in the activation of a cryptic splice site in exon 2 (PMID: 27322474, 31868168). This variant disrupts the p.Ser47 amino acid residue in NF1. Other variant(s) that disrupt this residue have been determined to be pathogenic (PMID: 27322474, 27716896). This suggests that this residue is clinically significant, and that variants that disrupt this residue are likely to be disease-causing. For these reasons, this variant has been classified as Pathogenic.

Institute of Human Genetics Munich, TUM University Hospital
Classification: Likely pathogenic for Neurofibromatosis, type 1. Last evaluated: 2024-12-02. Review status: criteria provided, single submitter. Criteria: Classification criteria August 2017. Collection method: clinical testing. Allele origin: germline. Inheritance: Autosomal dominant inheritance. Affected: yes. Observed: 1 variant allele.

Genome Diagnostics Laboratory, The Hospital for Sick Children
Classification: Likely pathogenic for Neurofibromatosis, type 1. Last evaluated: 2024-07-16. Review status: criteria provided, single submitter. Criteria: ACMG Guidelines, 2015. Collection method: clinical testing. Allele origin: germline. Affected: yes.
Comment: This variant results in a deletion of 4 nucleotides in intron 2 of the NF1 gene. It has been reported previously in individuals with Neurofibromatosis type 1 (PMIDs: 27322474; 31868168). In silico prediction programs predict that this variant may affect splicing, and RNA functional analysis indicates that this variant results in abberrant splicing (PMID: 27322474). This variant has not been observed in population controls of the Genome Aggregation Database (gnomAD). Based on the evidence above, this variant is classified as likely pathogenic (ACMG criteria - PS4_Moderate, PM2, PP3, PP5)

Institute for Genomic Medicine (IGM) Clinical Laboratory, Nationwide Children's Hospital
Classification: Tier I - Strong for Embryonal rhabdomyosarcoma. Assertion type: diagnostic. Clinical significance: supports diagnosis. Last evaluated: 2024-04-09. Review status: criteria provided, single submitter. Criteria: AMP/ASCO/CAP Guidelines, 2017. Collection method: clinical testing. Allele origin: somatic. Affected: yes.
Comment: Variant has Tier I (strong) clinical significance as a diagnostic inclusion criterion in embryonal rhabdomyosarcoma, based on the following evidence: 1) Documented in one or more cancer databases (e.g., St. Jude Pecan, COSMIC, CIViC, OncoKB). 2) Appears in one or more well-established professional guidelines (e.g., World Health Organization [WHO]; National Comprehensive Cancer Network [NCCN]) as providing diagnostic, prognostic, or therapeutic information. 3) Information in the literature supports potential biologic effect of variant (PMIDs: 27322474, 31868168). 4) Diagnostic for a specific tumor type/classification based on well-powered studies with expert-level consensus (Evidence Level B; PMIDs: 34166060, 24436047, 26138366, 21412928).

Laboratorio de Genetica e Diagnostico Molecular, Hospital Israelita Albert Einstein
Classification: Likely pathogenic for Neurofibromatosis, type 1. Last evaluated: 2022-06-09. Review status: criteria provided, single submitter. Criteria: ACMG Guidelines, 2015. Collection method: clinical testing. Allele origin: germline. Affected: yes. Observed: 1 variant allele.
Comment: ACMG classification criteria: PS3 supporting, PS4 supporting, PM2 moderated, PM6 moderated

Literature cited by the submitters: PubMed 27322474 (cited by 3 submitters); PubMed 31868168 (cited by 3 submitters); PubMed 17576681 (cited by Labcorp Genetics (formerly Invitae), Labcorp); PubMed 9536098 (cited by Labcorp Genetics (formerly Invitae), Labcorp); PubMed 27716896 (cited by Labcorp Genetics (formerly Invitae), Labcorp); PubMed 34166060 (cited by Institute for Genomic Medicine (IGM) Clinical Laboratory, Nationwide Children's Hospital); PubMed 24436047 (cited by Institute for Genomic Medicine (IGM) Clinical Laboratory, Nationwide Children's Hospital); PubMed 26138366 (cited by Institute for Genomic Medicine (IGM) Clinical Laboratory, Nationwide Children's Hospital); PubMed 21412928 (cited by Institute for Genomic Medicine (IGM) Clinical Laboratory, Nationwide Children's Hospital).

NM_001042492.3(NF1):c.204+3_204+6del

Gene: NF1 (neurofibromin 1; plus strand). Cytogenetic location: 17q11.2.
Variant type: Deletion.
Coding change: c.204+3_204+6del on transcript NM_001042492.3 (MANE Select); bases 3 to 6 of the intron after coding-DNA position 204, 4 bases deleted (GAGT; older notation c.204+3_204+6delGAGT).
Molecular consequence: splice donor variant.
Genome position (GRCh38, 1-based): chr17:31,156,129-31,156,132, GAGT deleted; deleting any 4 consecutive bases within chr17:31,156,127-31,156,132 gives the same sequence; the c. name uses the placement nearest the transcript's 3' end. VCF-style (leftmost placement, unchanged base first): chr17-31156126-GGTGA-G. GRCh37 (hg19) VCF-style: chr17-29483144-GGTGA-G.
Other names: c.204+3_204+6del (NM_000267.4, NM_001128147.3); c.204+3_204+6delGAGT (NM_000267.3).
Identifiers: ClinVar variation 578995 (VCV000578995.21), dbSNP rs1567814632, ClinGen allele CA658820669.